The following is an entry in ClinVar:

NM_001042492.3(NF1):c.1673T>C (p.Ile558Thr)

Gene: NF1 (neurofibromin 1; plus strand). Cytogenetic location: 17q11.2.
Variant type: single nucleotide variant.
Coding change: c.1673T>C on transcript NM_001042492.3 (MANE Select); coding-DNA position 1673, T replaced by C.
Protein change: p.Ile558Thr; replaces isoleucine 558 with threonine.
Molecular consequence: missense variant.
Genome position (GRCh38, 1-based): chr17:31,221,881, T>C. VCF-style: chr17-31221881-T-C. GRCh37 (hg19) VCF-style: chr17-29548899-T-C.
Other names: c.1673T>C, p.Ile558Thr (NM_000267.4, NM_001128147.3); short protein forms I558T.
Identifiers: ClinVar variation 1316750 (VCV001316750.6), dbSNP rs2144004218, ClinGen allele CA399002273.

ClinVar aggregate classification (germline): Uncertain significance. Review status: criteria provided, multiple submitters, no conflicts (2 of 4 stars). 3 submissions from 3 submitters: Uncertain significance (3). Last evaluated 2024-11-19.

Conditions:
Neurofibromatosis, type 1 (NF1). Also called: NEUROFIBROMATOSIS, TYPE I, SOMATIC; Peripheral type neurofibromatosis; Neurofibromatosis, type I; VON RECKLINGHAUSEN DISEASE. Identifiers: Orphanet 636, MedGen C0027831, MONDO:0018975, OMIM 162200. Disease mechanism: loss of function.
Hereditary cancer-predisposing syndrome. Also called: Neoplastic Syndromes, Hereditary; Hereditary Cancer Syndrome; Tumor predisposition; Hereditary neoplastic syndrome. Identifiers: Orphanet 140162, MedGen C0027672, MeSH D009386, MONDO:0015356.
Cardiovascular phenotype. Identifiers: MedGen CN230736.

Submissions (3):

Labcorp Genetics (formerly Invitae), Labcorp
Classification: Uncertain significance for Neurofibromatosis, type 1. Last evaluated: 2024-11-19. Review status: criteria provided, single submitter. Criteria: Invitae Variant Classification Sherloc (09022015). Collection method: clinical testing. Allele origin: germline.
Comment: This sequence change replaces isoleucine, which is neutral and non-polar, with threonine, which is neutral and polar, at codon 558 of the NF1 protein (p.Ile558Thr). This variant is not present in population databases (gnomAD no frequency). This variant has not been reported in the literature in individuals affected with NF1-related conditions. ClinVar contains an entry for this variant (Variation ID: 1316750). Invitae Evidence Modeling of protein sequence and biophysical properties (such as structural, functional, and spatial information, amino acid conservation, physicochemical variation, residue mobility, and thermodynamic stability) indicates that this missense variant is expected to disrupt NF1 protein function with a positive predictive value of 95%. In summary, the available evidence is currently insufficient to determine the role of this variant in disease. Therefore, it has been classified as a Variant of Uncertain Significance.

Ambry Genetics
Classification: Uncertain significance for Cardiovascular phenotype; Hereditary cancer-predisposing syndrome. Last evaluated: 2023-04-13. Review status: criteria provided, single submitter. Criteria: Ambry Variant Classification Scheme 2023. Collection method: clinical testing. Allele origin: germline.
Comment: The p.I558T variant (also known as c.1673T>C), located in coding exon 15 of the NF1 gene, results from a T to C substitution at nucleotide position 1673. The isoleucine at codon 558 is replaced by threonine, an amino acid with similar properties. This amino acid position is conserved. In addition, this alteration is predicted to be deleterious by in silico analysis. Since supporting evidence is limited at this time, the clinical significance of this alteration remains unclear.

GeneDx
Classification: Uncertain significance. Last evaluated: 2019-08-21. Review status: criteria provided, single submitter. Criteria: GeneDx Variant Classification Process June 2021. Collection method: clinical testing. Allele origin: germline. Affected: yes.
Comment: Not observed in large population cohorts (Lek et al., 2016); In silico analysis, which includes protein predictors and evolutionary conservation, supports a deleterious effect; Has not been previously published as pathogenic or benign to our knowledge